The following is an entry in ClinVar:

ClinVar aggregate classification (germline): Uncertain significance (1 of 4 stars; one submission).

Conditions:
CLDN1-related disorder. Also called: CLDN1-related condition.

Allele frequency attached by ClinVar (database versions not stated): TOPMed 0.00002; gnomAD exomes 0.00001; gnomAD 0.00001.
gnomAD v4.1: 21 of 1,614,086 alleles (0.0013%); highest among the groups gnomAD compares: Middle Eastern, 0.033%; no homozygotes.

Submission:

PreventionGenetics, part of Exact Sciences
Classification: Uncertain significance for CLDN1-related condition. Last evaluated: 2025-05-25. Review status: criteria provided, single submitter. Criteria: ACMG Guidelines, 2015. Collection method: clinical testing. Allele origin: germline.
Comment: The CLDN1 c.263T>A variant is predicted to result in the amino acid substitution p.Ile88Asn. To our knowledge, this variant has not been reported in the literature. This variant is reported in 0.00088% of alleles in individuals of European (Non-Finnish) descent in gnomAD. At this time, the clinical significance of this variant is uncertain due to the absence of conclusive functional and genetic evidence.

NM_021101.5(CLDN1):c.263T>A (p.Ile88Asn)

Genes: CLDN1 (claudin 1; minus strand), CLDN16 (claudin 16; plus strand). Cytogenetic location: 3q28.
Variant type: single nucleotide variant.
Coding change: c.263T>A on transcript NM_021101.5 (MANE Select); coding-DNA position 263, T replaced by A.
Protein change: p.Ile88Asn; replaces isoleucine 88 with asparagine.
Molecular consequence: missense variant. On other transcripts: intron variant (2).
Genome position (GRCh38, 1-based): chr3:190,312,997, A>T on the plus strand (T>A on the coding strand, the complement: CLDN1 is on the minus strand). VCF-style: chr3-190312997-A-T. GRCh37 (hg19) VCF-style: chr3-190030786-A-T.
Other names: c.-445-1896A>T (NM_001378492.1); c.-279+22406A>T (NM_001378493.1); short protein forms I88N.
Identifiers: ClinVar variation 2636080 (VCV002636080.2), dbSNP rs914124356, ClinGen allele CA89737255.